The following is an entry in ClinVar:

ClinVar aggregate classification (germline): Uncertain significance (1 of 4 stars; one submission).

Submission:

Labcorp Genetics (formerly Invitae), Labcorp
Classification: Uncertain significance. Last evaluated: 2021-07-04. Review status: criteria provided, single submitter. Criteria: Invitae Variant Classification Sherloc (09022015). Collection method: clinical testing. Allele origin: germline.
Comment: A copy number gain of the genomic region encompassing the full coding sequence of the CTSB gene has been identified. The boundaries of this event are unknown as they extend beyond the assayed region for this gene and therefore may encompass additional genes. As the precise location of this event is unknown, it may be in tandem or it may be located elsewhere in the genome. This variant has not been reported in the literature in individuals with CTSB-related conditions. Experimental studies and prediction algorithms are not available or were not evaluated, and the functional significance of this variant is currently unknown. In summary, the available evidence is currently insufficient to determine the role of this variant in disease. Therefore, it has been classified as a Variant of Uncertain Significance.

NC_000008.10:g.(?_9912027)_(11710963_?)dup

Genes: BLK (BLK proto-oncogene, Src family tyrosine kinase), C8orf74 (chromosome 8 open reading frame 74), CTSB (cathepsin B), FAM167A (family with sequence similarity 167 member A), FDFT1 (farnesyl-diphosphate farnesyltransferase 1) and 11 more. Cytogenetic location: 8p23.1.
Variant type: Duplication.
Identifiers: ClinVar variation 1410533 (VCV001410533.1).